The following is an entry in ClinVar:

ClinVar aggregate classification (germline): Uncertain significance (1 of 4 stars; one submission).

Conditions:
Hereditary sensory and autonomic neuropathy type 6. Also called: HSAN VI; Neuropathy, hereditary sensory and autonomic, type VI. Identifiers: Orphanet 314381, MedGen C3539003, MONDO:0013839, OMIM 614653.
Epidermolysis bullosa simplex 3, localized or generalized intermediate, with BP230 deficiency (EBS3). Also called: Epidermolysis bullosa simplex, autosomal recessive 2; Epidermolysis bullosa simplex due to BP230 deficiency. Identifiers: Orphanet 412181, MedGen C3809470, MONDO:0014180, OMIM 615425.

Allele frequency attached by ClinVar (database versions not stated): TOPMed 0.00011.
gnomAD v4.1: 180 of 1,613,958 alleles (0.011%); highest among the groups gnomAD compares: Middle Eastern, 0.049%; no homozygotes.

Submission:

Labcorp Genetics (formerly Invitae), Labcorp
Classification: Uncertain significance for Epidermolysis bullosa simplex 3, localized or generalized intermediate, with BP230 deficiency; Hereditary sensory and autonomic neuropathy type 6. Last evaluated: 2023-12-26. Review status: criteria provided, single submitter. Criteria: Invitae Variant Classification Sherloc (09022015). Collection method: clinical testing. Allele origin: germline.
Comment: This sequence change replaces arginine, which is basic and polar, with glutamine, which is neutral and polar, at codon 22 of the DST protein (p.Arg22Gln). This variant is present in population databases (rs749722200, gnomAD 0.01%). This variant has not been reported in the literature in individuals affected with DST-related conditions. ClinVar contains an entry for this variant (Variation ID: 541457). An algorithm developed to predict the effect of missense changes on protein structure and function (PolyPhen-2) suggests that this variant¬†is likely to be tolerated. In summary, the available evidence is currently insufficient to determine the role of this variant in disease. Therefore, it has been classified as a Variant of Uncertain Significance.

NM_001723.7(DST):c.65G>A (p.Arg22Gln)

Gene: DST (dystonin; minus strand). Cytogenetic location: 6p12.1.
Variant type: single nucleotide variant.
Coding change: c.65G>A on transcript NM_001723.7 (MANE Plus Clinical); coding-DNA position 65, G replaced by A.
Protein change: p.Arg22Gln; replaces arginine 22 with glutamine.
Molecular consequence: missense variant. On other transcripts: intron variant (9).
Genome position (GRCh38, 1-based): chr6:56,642,724, C>T on the plus strand (G>A on the coding strand, the complement: DST is on the minus strand). VCF-style: chr6-56642724-C-T. GRCh37 (hg19) VCF-style: chr6-56507522-C-T.
Other names: c.65G>A, p.Arg22Gln (NM_015548.5); c.1680-221G>A (NM_001144769.5); c.1779-221G>A (NM_001374722.1, NM_001374736.1); c.1806-221G>A (NM_001374734.1); c.1266-221G>A (NM_001144770.2); c.1146-221G>A (NM_001374730.1, NM_001386100.1, NM_183380.4 and 1 more transcripts); short protein forms R22Q.
Identifiers: ClinVar variation 541457 (VCV000541457.8), dbSNP rs749722200, ClinGen allele CA3871599.